The following is an entry in ClinVar:

NM_004320.6(ATP2A1):c.499G>A (p.Ala167Thr)

Gene: ATP2A1 (ATPase sarcoplasmic/endoplasmic reticulum Ca2+ transporting 1; plus strand). Cytogenetic location: 16p11.2.
Variant type: single nucleotide variant.
Coding change: c.499G>A on transcript NM_004320.6 (MANE Select); coding-DNA position 499, G replaced by A.
Protein change: p.Ala167Thr; replaces alanine 167 with threonine.
Molecular consequence: missense variant.
Genome position (GRCh38, 1-based): chr16:28,884,610, G>A. VCF-style: chr16-28884610-G-A. GRCh37 (hg19) VCF-style: chr16-28895931-G-A.
Other names: c.124G>A, p.Ala42Thr (NM_001286075.2); c.499G>A, p.Ala167Thr (NM_173201.5); short protein forms A167T, A42T.
Identifiers: ClinVar variation 2140049 (VCV002140049.4), dbSNP rs757752844, ClinGen allele CA7986669.

ClinVar aggregate classification (germline): Uncertain significance (1 of 4 stars; one submission).

Conditions:
Brody myopathy. Also called: BRODY DISEASE. Identifiers: Orphanet 53347, MedGen C1832918, MONDO:0010977, OMIM 601003.

Allele frequency attached by ClinVar (database versions not stated): TOPMed below 0.00001; ExAC 0.00001; gnomAD 0.00001; gnomAD exomes 0.00001.
gnomAD v4.1: 10 of 1,613,572 alleles (0.00062%); highest among the groups gnomAD compares: East Asian, 0.0022%; no homozygotes.

Submission:

Labcorp Genetics (formerly Invitae), Labcorp
Classification: Uncertain significance for Brody myopathy. Last evaluated: 2023-11-27. Review status: criteria provided, single submitter. Criteria: Invitae Variant Classification Sherloc (09022015). Collection method: clinical testing. Allele origin: germline.
Comment: This sequence change replaces alanine, which is neutral and non-polar, with threonine, which is neutral and polar, at codon 167 of the ATP2A1 protein (p.Ala167Thr). This variant is present in population databases (rs757752844, gnomAD 0.006%). This variant has not been reported in the literature in individuals affected with ATP2A1-related conditions. ClinVar contains an entry for this variant (Variation ID: 2140049). Algorithms developed to predict the effect of missense changes on protein structure and function output the following: SIFT: "Not Available"; PolyPhen-2: "Benign"; Align-GVGD: "Not Available". The threonine amino acid residue is found in multiple mammalian species, which suggests that this missense change does not adversely affect protein function. In summary, the available evidence is currently insufficient to determine the role of this variant in disease. Therefore, it has been classified as a Variant of Uncertain Significance.